The following is an entry in ClinVar:

ClinVar aggregate classification (germline): Uncertain significance. Review status: criteria provided, multiple submitters, no conflicts (2 of 4 stars). 2 submissions from 2 submitters: Uncertain significance (2). Last evaluated 2025-09-14.

gnomAD v4.1: 1 of 1,614,078 alleles (0.000062%); highest among the groups gnomAD compares: Non-Finnish European, 0.000085%; no homozygotes.

Submissions (2):

Labcorp Genetics (formerly Invitae), Labcorp
Classification: Uncertain significance. Last evaluated: 2025-09-14. Review status: criteria provided, single submitter. Criteria: Invitae Variant Classification Sherloc (09022015). Collection method: clinical testing. Allele origin: germline.
Comment: This sequence change replaces threonine, which is neutral and polar, with asparagine, which is neutral and polar, at codon 4 of the RP1 protein (p.Thr4Asn). This variant is not present in population databases (gnomAD no frequency). This variant has not been reported in the literature in individuals affected with RP1-related conditions. An algorithm developed to predict the effect of missense changes on protein structure and function (PolyPhen-2) suggests that this variant is likely to be disruptive. In summary, the available evidence is currently insufficient to determine the role of this variant in disease. Therefore, it has been classified as a Variant of Uncertain Significance.

Dasa
Classification: Uncertain significance. Last evaluated: 2024-12-12. Review status: criteria provided, single submitter. Criteria: DASA Assertion Criteria. Collection method: clinical testing. Allele origin: germline.
Comment: NM_006269.2(RP1):c.11C>A (p.Thr4Asn) is a missense variant that results in the substitution of threonine with asparagine. This variant is rare in population databases. Computational prediction algorithms are consistent with a benign effect. The currently available literature and clinical evidence are not sufficient to establish a definitive association between this variant and the reported condition. Therefore, this variant is classified as a variant of uncertain significance.

NM_006269.2(RP1):c.11C>A (p.Thr4Asn)

Gene: RP1 (RP1 axonemal microtubule associated; plus strand). Cytogenetic location: 8q12.1.
Variant type: single nucleotide variant.
Coding change: c.11C>A on transcript NM_006269.2 (MANE Select); coding-DNA position 11, C replaced by A.
Protein change: p.Thr4Asn; replaces threonine 4 with asparagine.
Molecular consequence: missense variant.
Genome position (GRCh38, 1-based): chr8:54,620,977, C>A. VCF-style: chr8-54620977-C-A. GRCh37 (hg19) VCF-style: chr8-55533537-C-A.
Other names: c.11C>A, p.Thr4Asn (NM_001375654.1); short protein forms T4N.
Identifiers: ClinVar variation 4736837 (VCV004736837.3).